The following is an entry in ClinVar:

ClinVar aggregate classification (germline): Uncertain significance (1 of 4 stars; one submission).

Conditions:
HIVEP2-related disorder. Also called: HIVEP2-related condition.

Allele frequency attached by ClinVar (database versions not stated): gnomAD exomes below 0.00001.
gnomAD v4.1: 1 of 1,614,204 alleles (0.000062%); highest among the groups gnomAD compares: South Asian, 0.0011%; no homozygotes.

Submission:

PreventionGenetics, part of Exact Sciences
Classification: Uncertain significance for HIVEP2-related condition. Last evaluated: 2022-12-22. Review status: criteria provided, single submitter. Criteria: ACMG Guidelines, 2015. Collection method: clinical testing. Allele origin: germline.
Comment: The HIVEP2 c.5021G>T variant is predicted to result in the amino acid substitution p.Cys1674Phe. To our knowledge, this variant has not been reported in the literature or in a large population database, indicating this variant is rare. At this time, the clinical significance of this variant is uncertain due to the absence of conclusive functional and genetic evidence.

NM_006734.4(HIVEP2):c.5021G>T (p.Cys1674Phe)

Gene: HIVEP2 (HIVEP zinc finger 2; minus strand). Cytogenetic location: 6q24.2.
Variant type: single nucleotide variant.
Coding change: c.5021G>T on transcript NM_006734.4 (MANE Select); coding-DNA position 5021, G replaced by T.
Protein change: p.Cys1674Phe; replaces cysteine 1674 with phenylalanine.
Molecular consequence: missense variant.
Genome position (GRCh38, 1-based): chr6:142,769,718, C>A on the plus strand (G>T on the coding strand, the complement: HIVEP2 is on the minus strand). VCF-style: chr6-142769718-C-A. GRCh37 (hg19) VCF-style: chr6-143090855-C-A.
Other names: short protein forms C1674F.
Identifiers: ClinVar variation 2629641 (VCV002629641.1), dbSNP rs2482817707, ClinGen allele CA365896346.